The following is an entry in ClinVar:

NM_001278716.2(FBXL4):c.1336A>G (p.Ile446Val)

Gene: FBXL4 (F-box and leucine rich repeat protein 4; minus strand). Cytogenetic location: 6q16.1.
Variant type: single nucleotide variant.
Coding change: c.1336A>G on transcript NM_001278716.2 (MANE Select); coding-DNA position 1336, A replaced by G.
Protein change: p.Ile446Val; replaces isoleucine 446 with valine.
Molecular consequence: missense variant. On other transcripts: non-coding transcript variant (1).
Genome position (GRCh38, 1-based): chr6:98,880,606, T>C on the plus strand (A>G on the coding strand, the complement: FBXL4 is on the minus strand). VCF-style: chr6-98880606-T-C. GRCh37 (hg19) VCF-style: chr6-99328482-T-C.
Other names: c.1336A>G, p.Ile446Val (NM_012160.5); short protein forms I446V.
Identifiers: ClinVar variation 437736 (VCV000437736.1), dbSNP rs754053250, ClinGen allele CA3933472.

ClinVar aggregate classification (germline): Uncertain significance (1 of 4 stars; one submission).

Conditions:
Mitochondrial DNA depletion syndrome 13. Also called: FBXL4-Related Encephalomyopathic Mitochondrial DNA Depletion Syndrome; Mitochondrial DNA depletion syndrome 13 (encephalomyopathic type). Identifiers: Orphanet 369897, MedGen C3809592, MONDO:0014198, OMIM 615471.

Allele frequency attached by ClinVar (database versions not stated): ExAC 0.00001; gnomAD exomes 0.00001; TOPMed 0.00001.
gnomAD v4.1: 9 of 1,613,868 alleles (0.00056%); highest among the groups gnomAD compares: Non-Finnish European, 0.00068%; no homozygotes.

Submission:

Wong Mito Lab, Molecular and Human Genetics, Baylor College of Medicine
Classification: Uncertain significance for Mitochondrial DNA depletion syndrome 13. Last evaluated: 2017-08-10. Review status: criteria provided, single submitter. Criteria: ACMG Guidelines, 2015. Collection method: reference population. Allele origin: germline.
Comment: The NM_012160.4:c.1336A>G (NP_036292.2:p.Ile446Val) [GRCH38: NC_000006.12:g.98880606T>C] variant in FBXL4 gene is interpretated to be a Uncertain Significance - Conflicting Evidence based on ACMG guidelines (PMID: 25741868). This variant meets one or more of the following evidence codes reported in the ACMG-guideline. PM2:This variant is absent in key population databases. BP4:Computational evidence/predictors indicate no impact on the FBXL4 structure, function, or protein-protein interaction. Based on this evidence code ClinGen Pathogenicity Calculator (PMID:28081714) suggested that the variant is Uncertain Significance - Conflicting Evidence.